The following is an entry in ClinVar:

NM_170601.5(SIAE):c.950C>A (p.Pro317Gln)

Gene: SIAE (sialic acid acetylesterase; minus strand). Cytogenetic location: 11q24.2.
Variant type: single nucleotide variant.
Coding change: c.950C>A on transcript NM_170601.5 (MANE Select); coding-DNA position 950, C replaced by A.
Protein change: p.Pro317Gln; replaces proline 317 with glutamine.
Molecular consequence: missense variant.
Genome position (GRCh38, 1-based): chr11:124,647,381, G>T on the plus strand (C>A on the coding strand, the complement: SIAE is on the minus strand). VCF-style: chr11-124647381-G-T. GRCh37 (hg19) VCF-style: chr11-124517277-G-T.
Other names: c.845C>A, p.Pro282Gln (NM_001199922.2); short protein forms P317Q, P282Q.
Identifiers: ClinVar variation 2798184 (VCV002798184.3), dbSNP rs952884180, ClinGen allele CA230390195.
Genomic context (GRCh38, chr11:124,647,381, plus strand): 5'-AACAGGTGTTGACATGAACAGAGAAGCCTTTACCCACATCGTACCTGGACAAGTCCAAAT[G>T]GGAAGAAACGCTCCGTCTGCCCCTGGGAACCACGGTGGAAGGTTTCACGCCAGTCTTCGA-3'
Protein context (NP_733746.1, residues 307-327): GSQGQTERFF[Pro317Gln]FGLVQLSSDL

ClinVar aggregate classification (germline): Uncertain significance (1 of 4 stars; one submission).

Allele frequency attached by ClinVar (database versions not stated): gnomAD exomes below 0.00001; TOPMed 0.00001.
gnomAD v4.1: 1 of 1,614,214 alleles (0.000062%); highest among the groups gnomAD compares: African/African-American, 0.0013%; no homozygotes.

Submission:

Labcorp Genetics (formerly Invitae), Labcorp
Classification: Uncertain significance. Last evaluated: 2025-01-23. Review status: criteria provided, single submitter. Criteria: Invitae Variant Classification Sherloc (09022015). Collection method: clinical testing. Allele origin: germline.
Comment: This sequence change replaces proline, which is neutral and non-polar, with glutamine, which is neutral and polar, at codon 317 of the SIAE protein (p.Pro317Gln). This variant is not present in population databases (gnomAD no frequency). This variant has not been reported in the literature in individuals affected with SIAE-related conditions. ClinVar contains an entry for this variant (Variation ID: 2798184). An algorithm developed to predict the effect of missense changes on protein structure and function (PolyPhen-2) suggests that this variant is likely to be disruptive. In summary, the available evidence is currently insufficient to determine the role of this variant in disease. Therefore, it has been classified as a Variant of Uncertain Significance.